The following is an entry in ClinVar:

ClinVar aggregate classification (germline): Uncertain significance (1 of 4 stars; one submission).

Conditions:
Hereditary cancer-predisposing syndrome. Also called: Tumor predisposition; Neoplastic Syndromes, Hereditary; Hereditary Cancer Syndrome; Hereditary neoplastic syndrome. Identifiers: Orphanet 140162, MedGen C0027672, MeSH D009386, MONDO:0015356.

Submission:

Ambry Genetics
Classification: Uncertain significance for Hereditary cancer-predisposing syndrome. Last evaluated: 2021-09-04. Review status: criteria provided, single submitter. Criteria: Ambry Variant Classification Scheme 2023. Collection method: clinical testing. Allele origin: germline.
Comment: The p.C1067Y variant (also known as c.3200G>A), located in coding exon 19 of the BRIP1 gene, results from a G to A substitution at nucleotide position 3200. The cysteine at codon 1067 is replaced by tyrosine, an amino acid with highly dissimilar properties. This amino acid position is conserved. In addition, this alteration is predicted to be tolerated by in silico analysis. Since supporting evidence is limited at this time, the clinical significance of this alteration remains unclear.

NM_032043.3(BRIP1):c.3200G>A (p.Cys1067Tyr)

Gene: BRIP1 (BRCA1 interacting DNA helicase 1; minus strand). Cytogenetic location: 17q23.2.
Variant type: single nucleotide variant.
Coding change: c.3200G>A on transcript NM_032043.3 (MANE Select); coding-DNA position 3200, G replaced by A.
Protein change: p.Cys1067Tyr; replaces cysteine 1067 with tyrosine.
Molecular consequence: missense variant.
Genome position (GRCh38, 1-based): chr17:61,683,846, C>T on the plus strand (G>A on the coding strand, the complement: BRIP1 is on the minus strand). VCF-style: chr17-61683846-C-T. GRCh37 (hg19) VCF-style: chr17-59761207-C-T.
Other names: short protein forms C1067Y.
Identifiers: ClinVar variation 1728815 (VCV001728815.2), dbSNP rs2144084686, ClinGen allele CA400479343.